The following is an entry in ClinVar:

ClinVar aggregate classification (germline): Uncertain significance (1 of 4 stars; one submission).

Conditions:
Hereditary nonpolyposis colorectal neoplasms. Identifiers: MedGen C0009405, MeSH D003123.

Submission:

Labcorp Genetics (formerly Invitae), Labcorp
Classification: Uncertain significance for Hereditary nonpolyposis colorectal neoplasms. Last evaluated: 2021-12-29. Review status: criteria provided, single submitter. Criteria: Invitae Variant Classification Sherloc (09022015). Collection method: clinical testing. Allele origin: germline.
Comment: In summary, the available evidence is currently insufficient to determine the role of this variant in disease. Therefore, it has been classified as a Variant of Uncertain Significance. Advanced modeling of protein sequence and biophysical properties (such as structural, functional, and spatial information, amino acid conservation, physicochemical variation, residue mobility, and thermodynamic stability) performed at Invitae indicates that this missense variant is not expected to disrupt PMS2 protein function. This variant has not been reported in the literature in individuals affected with PMS2-related conditions. This variant is not present in population databases (gnomAD no frequency). This sequence change replaces lysine, which is basic and polar, with arginine, which is basic and polar, at codon 538 of the PMS2 protein (p.Lys538Arg).

NM_000535.7(PMS2):c.1613A>G (p.Lys538Arg)

Gene: PMS2 (PMS1 homolog 2, mismatch repair system component; minus strand). Cytogenetic location: 7p22.1.
Variant type: single nucleotide variant.
Coding change: c.1613A>G on transcript NM_000535.7 (MANE Select); coding-DNA position 1613, A replaced by G.
Protein change: p.Lys538Arg; replaces lysine 538 with arginine.
Molecular consequence: missense variant. On other transcripts: non-coding transcript variant (1).
Genome position (GRCh38, 1-based): chr7:5,987,152, T>C on the plus strand (A>G on the coding strand, the complement: PMS2 is on the minus strand). VCF-style: chr7-5987152-T-C. GRCh37 (hg19) VCF-style: chr7-6026783-T-C.
Other names: c.1208A>G, p.Lys403Arg (NM_001018040.1, NM_001322003.2, NM_001322004.2 and 17 more transcripts); c.1457A>G, p.Lys486Arg (NM_001322006.2, NM_001406870.1); c.1295A>G, p.Lys432Arg (NM_001322007.2, NM_001322008.2, NM_001406876.1 and 2 more transcripts); c.1052A>G, p.Lys351Arg (NM_001322010.2, NM_001406907.1, NM_001406906.1); c.680A>G, p.Lys227Arg (NM_001322011.2, NM_001322012.2); c.1040A>G, p.Lys347Arg (NM_001322013.2, NM_001406909.1); c.1613A>G, p.Lys538Arg (NM_001322014.2, NM_001406871.1, NM_001406872.1); c.1304A>G, p.Lys435Arg (NM_001322015.2, NM_001406875.1, NM_001406877.1 and 5 more transcripts); and 12 more; short protein forms K380R, K430R, K432R, K435R, K281R, K367R, K383R, K416R.
Identifiers: ClinVar variation 2064724 (VCV002064724.4), dbSNP rs2128726763, ClinGen allele CA366741478.